The following is an entry in ClinVar:

ClinVar aggregate classification (germline): Likely benign (0 of 4 stars; one submission).

Conditions:
SPRY1-related disorder. Also called: SPRY1-related condition.

Allele frequency attached by ClinVar (database versions not stated): gnomAD 0.00083; TOPMed 0.00090; ESP Exome Variant Server 0.00131.
gnomAD v4.1: 1,997 of 1,614,040 alleles (0.12%); highest among the groups gnomAD compares: Non-Finnish European, 0.16%; 2 homozygotes.

Submission:

PreventionGenetics, part of Exact Sciences
Classification: Likely benign for SPRY1-related condition. Last evaluated: 2019-04-08. Review status: no assertion criteria provided. Collection method: clinical testing. Allele origin: germline.
Comment: This variant is classified as likely benign based on ACMG/AMP sequence variant interpretation guidelines (Richards et al. 2015 PMID: 25741868, with internal and published modifications).

NM_001258038.2(SPRY1):c.86A>G (p.Tyr29Cys)

Gene: SPRY1 (sprouty RTK signaling antagonist 1; plus strand). Cytogenetic location: 4q28.1.
Variant type: single nucleotide variant.
Coding change: c.86A>G on transcript NM_001258038.2 (MANE Select); coding-DNA position 86, A replaced by G.
Protein change: p.Tyr29Cys; replaces tyrosine 29 with cysteine.
Molecular consequence: missense variant.
Genome position (GRCh38, 1-based): chr4:123,401,677, A>G. VCF-style: chr4-123401677-A-G. GRCh37 (hg19) VCF-style: chr4-124322832-A-G.
Other names: c.86A>G, p.Tyr29Cys (NM_001258039.1, NM_001375410.1, NM_005841.3 and 1 more transcripts); short protein forms Y29C.
Identifiers: ClinVar variation 3042142 (VCV003042142.2), dbSNP rs141161959, ClinGen allele CA3070820.
Genomic context (GRCh38, chr4:123,401,677, plus strand): 5'-GTGGCAGTTCGTTAGTTGTGATCCAGCAGCCTTCTTTGGATAGCCGTCAGAGATTAGACT[A>G]TGAGAGAGAGATTCAGCCTACTGCTATTTTGTCCTTAGACCAGATCAAGGCCATAAGAGG-3'
Protein context (NP_001244967.1, residues 19-39): PSLDSRQRLD[Tyr29Cys]EREIQPTAIL